The following is an entry in ClinVar:

ClinVar aggregate classification (germline): Uncertain significance. Review status: criteria provided, multiple submitters, no conflicts (2 of 4 stars). 5 submissions from 5 submitters: Uncertain significance (5). Last evaluated 2024-03-06.

Conditions:
Familial thoracic aortic aneurysm and aortic dissection (TAAD). Also called: Thoracic aortic aneurysms and dissections. Identifiers: Orphanet 91387, MedGen C4707243, MONDO:0019625.

Allele frequency attached by ClinVar (database versions not stated): gnomAD exomes below 0.00001; TOPMed below 0.00001; gnomAD 0.00001.
gnomAD v4.1: 8 of 1,613,904 alleles (0.0005%); highest among the groups gnomAD compares: Non-Finnish European, 0.00051%; no homozygotes.

Submissions (5):

Color Diagnostics, LLC DBA Color Health
Classification: Uncertain significance for Familial thoracic aortic aneurysm and aortic dissection. Last evaluated: 2024-03-06. Review status: criteria provided, single submitter. Criteria: ACMG Guidelines, 2015. Collection method: clinical testing. Allele origin: germline.
Comment: This missense variant replaces isoleucine with threonine at codon 770 of the MYH11 protein. Computational prediction suggests that this variant may have deleterious impact on protein structure and function (internally defined REVEL score threshold >= 0.7, PMID: 27666373). To our knowledge, functional studies have not been reported for this variant. This variant has not been reported in individuals affected with cardiovascular disorders in the literature. This variant has been identified in 2/282858 chromosomes in the general population by the Genome Aggregation Database (gnomAD). The available evidence is insufficient to determine the role of this variant in disease conclusively. Therefore, this variant is classified as a Variant of Uncertain Significance.

All of Us Research Program, National Institutes of Health
Classification: Uncertain significance for Familial thoracic aortic aneurysm and aortic dissection. Last evaluated: 2023-10-06. Review status: criteria provided, single submitter. Criteria: ACMG Guidelines, 2015. Collection method: clinical testing. Allele origin: germline. Inheritance: Autosomal dominant inheritance. Observed: 4 variant alleles, 4 heterozygotes.
Comment: This missense variant replaces isoleucine with threonine at codon 770 of the MYH11 protein. Computational prediction suggests that this variant may have deleterious impact on protein structure and function (internally defined REVEL score threshold >= 0.7, PMID: 27666373). To our knowledge, functional studies have not been reported for this variant. This variant has not been reported in individuals affected with cardiovascular disorders in the literature. This variant has been identified in 2/282858 chromosomes in the general population by the Genome Aggregation Database (gnomAD). The available evidence is insufficient to determine the role of this variant in disease conclusively. Therefore, this variant is classified as a Variant of Uncertain Significance.

This study involves interpretation of variants in research participants for the purpose of population health screening. Participant phenotype was not available at the time of variant classification. Additional details can be found in publication PMID: 35346344, PMCID: PMC8962531

CeGaT Center for Human Genetics Tuebingen
Classification: Uncertain significance. Last evaluated: 2023-08-01. Review status: criteria provided, single submitter. Criteria: CeGaT Center For Human Genetics Tuebingen Variant Classification Criteria Version 2. Collection method: clinical testing. Allele origin: germline. Affected: yes. Observed: 1 variant allele.
Comment: MYH11: PP3

CHEO Genetics Diagnostic Laboratory, Children's Hospital of Eastern Ontario
Classification: Uncertain significance for Familial thoracic aortic aneurysm and aortic dissection. Last evaluated: 2023-06-02. Review status: criteria provided, single submitter. Criteria: ACMG Guidelines, 2015. Collection method: clinical testing. Allele origin: germline.

GeneDx
Classification: Uncertain significance. Last evaluated: 2019-03-01. Review status: criteria provided, single submitter. Criteria: GeneDx Variant Classification Process June 2021. Collection method: clinical testing. Allele origin: germline. Affected: yes.
Comment: Not observed at a significant frequency in large population cohorts (Lek et al., 2016; McVean et al., 2012; Exome Variant Server); In silico analysis, which includes protein predictors and evolutionary conservation, supports a deleterious effect; Has not been previously published as pathogenic or benign to our knowledge

NM_002474.3(MYH11):c.2288T>C (p.Ile763Thr)

Gene: MYH11 (myosin heavy chain 11; minus strand). Cytogenetic location: 16p13.11.
Variant type: single nucleotide variant.
Coding change: c.2288T>C on transcript NM_002474.3 (MANE Select); coding-DNA position 2288, T replaced by C.
Protein change: p.Ile763Thr; replaces isoleucine 763 with threonine.
Molecular consequence: missense variant.
Genome position (GRCh38, 1-based): chr16:15,747,693, A>G on the plus strand (T>C on the coding strand, the complement: MYH11 is on the minus strand). VCF-style: chr16-15747693-A-G. GRCh37 (hg19) VCF-style: chr16-15841550-A-G.
Other names: c.2309T>C, p.Ile770Thr (NM_001040113.2, NM_001040114.2); c.2288T>C, p.Ile763Thr (NM_022844.3); short protein forms I763T, I770T.
Identifiers: ClinVar variation 922759 (VCV000922759.34), dbSNP rs944017240, ClinGen allele CA278636634.